The following is an entry in ClinVar:

NM_006767.4(LZTR1):c.2246A>C (p.Tyr749Ser)

Gene: LZTR1 (leucine zipper like post translational regulator 1; plus strand). Cytogenetic location: 22q11.21.
Variant type: single nucleotide variant.
Coding change: c.2246A>C on transcript NM_006767.4 (MANE Select); coding-DNA position 2246, A replaced by C.
Protein change: p.Tyr749Ser; replaces tyrosine 749 with serine.
Molecular consequence: missense variant.
Genome position (GRCh38, 1-based): chr22:20,996,722, A>C. VCF-style: chr22-20996722-A-C. GRCh37 (hg19) VCF-style: chr22-21351011-A-C.
Other names: short protein forms Y749S.
Identifiers: ClinVar variation 3238223 (VCV003238223.1), dbSNP rs755260815.
Genomic context (GRCh38, chr22:20,996,722, plus strand): 5'-GCTTCCTTTAGTCAGCTCCTTAACCAGGCCCCAGCTACTTGTTTGCGGCCCCCTACTACT[A>C]CGGCTTCTACAACAACCGGCTGCAGGCGTACTGCAAGCAGAACCTGGAGATGAACGTGAC-3'
Protein context (NP_006758.2, residues 739-759): SLYLFAAPYY[Tyr749Ser]GFYNNRLQAY

ClinVar aggregate classification (germline): Uncertain significance (1 of 4 stars; one submission).

Conditions:
Hereditary cancer-predisposing syndrome. Also called: Neoplastic Syndromes, Hereditary; Tumor predisposition; Hereditary neoplastic syndrome; Hereditary Cancer Syndrome. Identifiers: Orphanet 140162, MedGen C0027672, MeSH D009386, MONDO:0015356.
Cardiovascular phenotype. Identifiers: MedGen CN230736.

Submission:

Ambry Genetics
Classification: Uncertain significance for Cardiovascular phenotype; Hereditary cancer-predisposing syndrome. Last evaluated: 2023-04-19. Review status: criteria provided, single submitter. Criteria: Ambry Variant Classification Scheme 2023. Collection method: clinical testing. Allele origin: germline.
Comment: The p.Y749S variant (also known as c.2246A>C), located in coding exon 19 of the LZTR1 gene, results from an A to C substitution at nucleotide position 2246. The tyrosine at codon 749 is replaced by serine, an amino acid with dissimilar properties. This amino acid position is conserved. In addition, this alteration is predicted to be deleterious by in silico analysis. Since supporting evidence is limited at this time, the clinical significance of this alteration remains unclear.